The following is an entry in ClinVar:

NM_006531.5(IFT88):c.329-5C>G

Gene: IFT88 (intraflagellar transport 88; plus strand). Cytogenetic location: 13q12.11.
Variant type: single nucleotide variant.
Coding change: c.329-5C>G on transcript NM_006531.5 (MANE Select); 5 bases into the intron before coding-DNA position 329, C replaced by G.
Molecular consequence: intron variant.
Genome position (GRCh38, 1-based): chr13:20,592,330, C>G. VCF-style: chr13-20592330-C-G. GRCh37 (hg19) VCF-style: chr13-21166469-C-G.
Other names: c.356-5C>G (NM_001318493.2, NM_175605.5, NM_001353570.2 and 6 more transcripts); c.329-5C>G (NM_001353568.2, NM_001353572.2, NM_001353571.2 and 1 more transcripts); c.-236+649C>G (NM_001353579.2); c.272-5C>G (NM_001353575.2, NM_001318491.2, NM_001353573.2 and 1 more transcripts).
Identifiers: ClinVar variation 3710674 (VCV003710674.2).

ClinVar aggregate classification (germline): Uncertain significance (1 of 4 stars; one submission).

gnomAD v4.1: 50 of 1,606,040 alleles (0.0031%); highest among the groups gnomAD compares: Non-Finnish European, 0.004%; no homozygotes.

Submission:

Labcorp Genetics (formerly Invitae), Labcorp
Classification: Uncertain significance. Last evaluated: 2024-07-04. Review status: criteria provided, single submitter. Criteria: Invitae Variant Classification Sherloc (09022015). Collection method: clinical testing. Allele origin: germline.
Comment: This sequence change falls in intron 8 of the IFT88 gene. It does not directly change the encoded amino acid sequence of the IFT88 protein. This variant is present in population databases (rs749116069, gnomAD 0.005%). This variant has not been reported in the literature in individuals affected with IFT88-related conditions. Algorithms developed to predict the effect of sequence changes on RNA splicing suggest that this variant may disrupt the consensus splice site. In summary, the available evidence is currently insufficient to determine the role of this variant in disease. Therefore, it has been classified as a Variant of Uncertain Significance.